The following is an entry in ClinVar:

NM_021728.4(OTX2):c.380G>T (p.Arg127Leu)

Gene: OTX2 (orthodenticle homeobox 2; minus strand). Cytogenetic location: 14q22.3.
Variant type: single nucleotide variant.
Coding change: c.380G>T on transcript NM_021728.4 (MANE Select); coding-DNA position 380, G replaced by T.
Protein change: p.Arg127Leu; replaces arginine 127 with leucine.
Molecular consequence: missense variant. On other transcripts: non-coding transcript variant (2).
Genome position (GRCh38, 1-based): chr14:56,802,249, C>A on the plus strand (G>T on the coding strand, the complement: OTX2 is on the minus strand). VCF-style: chr14-56802249-C-A. GRCh37 (hg19) VCF-style: chr14-57268967-C-A.
Other names: c.356G>T, p.Arg119Leu (NM_001270523.2, NM_001270524.2, NM_172337.3); c.380G>T, p.Arg127Leu (NM_001270525.2); c.356G>T (NM_172337.1); short protein forms R119L, R127L.
Identifiers: ClinVar variation 313418 (VCV000313418.15), dbSNP rs199799627, ClinGen allele CA10640349.
Genomic context (GRCh38, chr14:56,802,249, plus strand): 5'-ACTGAGGTGCTAGAGGGGGGAGTGAATTGGCCACTTGTTCCACTCTCTGAACTCACTTCC[C>A]GAGCTGGAGATGTCTTCTTTTTGGCAGGTCTCACTTTGTTTTGACCTCCATTCTGCTGTT-3'
Protein context (NP_068374.1, residues 117-137): RPAKKKTSPA[Arg127Leu]EVSSESGTSG

ClinVar aggregate classification (germline): Uncertain significance. Review status: criteria provided, multiple submitters, no conflicts (2 of 4 stars). 6 submissions from 5 submitters: Uncertain significance (6). Last evaluated 2025-10-09.

Conditions:
Inborn genetic diseases. Identifiers: MedGen C0950123, MeSH D030342.
Anophthalmia-microphthalmia syndrome. Also called: Anophthalmia - microphthalmia; Anophthalmia/Microphthalmia. Identifiers: Orphanet 98555, MedGen C5680330, MONDO:0020147.
OTX2-related disorder. Also called: OTX2-related disorders; OTX2-related condition.
Pituitary hormone deficiency, combined, 6. Identifiers: MedGen C3151440, MONDO:0013518, OMIM 613986.
Syndromic microphthalmia type 5 (MCOPS5). Also called: RETINAL DYSTROPHY, EARLY-ONSET, WITH PITUITARY DYSFUNCTION; RETINAL DYSTROPHY, EARLY-ONSET, WITHOUT PITUITARY DYSFUNCTION. Identifiers: Orphanet 178364, MedGen C1864690, MONDO:0012413, OMIM 610125.

gnomAD v4.1: 8 of 1,614,146 alleles (0.0005%); highest among the groups gnomAD compares: Non-Finnish European, 0.00068%; no homozygotes.

Submissions (6):

Labcorp Genetics (formerly Invitae), Labcorp
Classification: Uncertain significance for Anophthalmia-microphthalmia syndrome. Last evaluated: 2025-10-09. Review status: criteria provided, single submitter. Criteria: Invitae Variant Classification Sherloc (09022015). Collection method: clinical testing. Allele origin: germline.
Comment: This sequence change replaces arginine, which is basic and polar, with leucine, which is neutral and non-polar, at codon 119 of the OTX2 protein (p.Arg119Leu). This variant is not present in population databases (gnomAD no frequency). This variant has not been reported in the literature in individuals affected with OTX2-related conditions. ClinVar contains an entry for this variant (Variation ID: 313418). An algorithm developed to predict the effect of missense changes on protein structure and function (PolyPhen-2) suggests that this variant is likely to be tolerated. In summary, the available evidence is currently insufficient to determine the role of this variant in disease. Therefore, it has been classified as a Variant of Uncertain Significance.

PreventionGenetics, part of Exact Sciences
Classification: Uncertain significance for OTX2-related condition. Last evaluated: 2025-02-21. Review status: criteria provided, single submitter. Criteria: ACMG Guidelines, 2015. Collection method: clinical testing. Allele origin: germline.
Comment: The OTX2 c.356G>T variant is predicted to result in the amino acid substitution p.Arg119Leu. To our knowledge, this variant has not been reported in the literature. This variant is reported in 0.00088% of alleles in individuals of European (Non-Finnish) descent in gnomAD. At this time, the clinical significance of this variant is uncertain due to the absence of conclusive functional and genetic evidence.

Blueprint Genetics
Classification: Uncertain significance. Last evaluated: 2024-03-21. Review status: criteria provided, single submitter. Criteria: ACMG Guidelines, 2015. Collection method: clinical testing. Allele origin: germline.

Ambry Genetics
Classification: Uncertain significance for Inborn genetic diseases. Last evaluated: 2023-02-10. Review status: criteria provided, single submitter. Criteria: Ambry Variant Classification Scheme 2023. Collection method: clinical testing. Allele origin: germline.

Illumina Laboratory Services, Illumina
Classification: Uncertain significance for Pituitary hormone deficiency, combined, 6. Last evaluated: 2018-01-12. Review status: criteria provided, single submitter. Criteria: ICSL Variant Classification Criteria 13 December 2019. Collection method: clinical testing. Allele origin: germline.

Illumina Laboratory Services, Illumina
Classification: Uncertain significance for Syndromic microphthalmia type 5. Last evaluated: 2018-01-12. Review status: criteria provided, single submitter. Criteria: ICSL Variant Classification Criteria 13 December 2019. Collection method: clinical testing. Allele origin: germline.